The following is an entry in ClinVar:

ClinVar aggregate classification (germline): Uncertain significance (1 of 4 stars; one submission).

Conditions:
Dilated cardiomyopathy 1O (CMD1O). Also called: CARDIOMYOPATHY, DILATED, WITH VENTRICULAR TACHYCARDIA. Identifiers: Orphanet 154, MedGen C1837839, MONDO:0012062, OMIM 608569.

Submission:

Labcorp Genetics (formerly Invitae), Labcorp
Classification: Uncertain significance for Dilated cardiomyopathy 1O. Last evaluated: 2019-06-17. Review status: criteria provided, single submitter. Criteria: Invitae Variant Classification Sherloc (09022015). Collection method: clinical testing. Allele origin: germline.
Comment: This variant has not been reported in the literature in individuals with ABCC9-related conditions. This sequence change affects codon 835 of the ABCC9 mRNA. It is a 'silent' change, meaning that it does not change the encoded amino acid sequence of the ABCC9 protein. This variant also falls at the last nucleotide of exon 20 of the ABCC9 coding sequence, which is part of the consensus splice site for this exon. This variant is not present in population databases (ExAC no frequency). Nucleotide substitutions within the consensus splice site are a relatively common cause of aberrant splicing (PMID: 17576681, 9536098). Algorithms developed to predict the effect of sequence changes on RNA splicing suggest that this variant may disrupt the consensus splice site, but this prediction has not been confirmed by published transcriptional studies. In summary, the available evidence is currently insufficient to determine the role of this variant in disease. Therefore, it has been classified as a Variant of Uncertain Significance.

Literature cited by the submitters: PubMed 17576681; PubMed 9536098.

NM_020297.4(ABCC9):c.2505G>A (p.Leu835=)

Gene: ABCC9 (ATP binding cassette subfamily C member 9; minus strand). Cytogenetic location: 12p12.1.
Variant type: single nucleotide variant.
Coding change: c.2505G>A on transcript NM_020297.4 (MANE Select); coding-DNA position 2505, G replaced by A.
Protein change: p.Leu835=; no amino-acid change (leucine 835 retained).
Molecular consequence: synonymous variant.
Genome position (GRCh38, 1-based): chr12:21,859,586, C>T on the plus strand (G>A on the coding strand, the complement: ABCC9 is on the minus strand). VCF-style: chr12-21859586-C-T. GRCh37 (hg19) VCF-style: chr12-22012520-C-T.
Other names: c.2505G>A, p.Leu835= (NM_001377273.1, NM_005691.4); c.1638G>A, p.Leu546= (NM_001377274.1).
Identifiers: ClinVar variation 935819 (VCV000935819.7), dbSNP rs1945400976, ClinGen allele CA478872881.